The following is an entry in ClinVar:

ClinVar aggregate classification (germline): Uncertain significance. Review status: criteria provided, multiple submitters, no conflicts (2 of 4 stars). 6 submissions from 6 submitters: Uncertain significance (5). 1 of the submissions does not count toward it. Last evaluated 2025-06-12.

Conditions:
Familial thoracic aortic aneurysm and aortic dissection (TAAD). Also called: Thoracic aortic aneurysms and dissections. Identifiers: Orphanet 91387, MedGen C4707243, MONDO:0019625.
Classic homocystinuria. Also called: Homocystinuria due to Cystathionine Beta-Synthase Deficiency; Homocystinuria due to CBS deficiency; Cystathionine beta-synthase deficiency; CBS deficiency; HOMOCYSTINURIA WITH OR WITHOUT RESPONSE TO PYRIDOXINE. Identifiers: Orphanet 394, MedGen C0751202, MONDO:0009352, OMIM 236200.
HYPERHOMOCYSTEINEMIA, THROMBOTIC, CBS-RELATED. Identifiers: MedGen C3150344, OMIM 236200.

Allele frequency attached by ClinVar (database versions not stated): TOPMed 0.00003; gnomAD exomes 0.00004 and 0.00006; gnomAD 0.00006; ExAC 0.00007; ESP Exome Variant Server 0.00008; 1000 Genomes Project 0.00020.

Submissions (6):

GeneDx
Classification: Uncertain significance. Last evaluated: 2025-06-12. Review status: criteria provided, single submitter. Criteria: GeneDx Variant Classification Process June 2021. Collection method: clinical testing. Allele origin: germline. Affected: yes.
Comment: In silico analysis suggests that this missense variant does not alter protein structure/function; Has not been previously published as pathogenic or benign to our knowledge

Blueprint Genetics
Classification: Uncertain significance. Last evaluated: 2024-07-02. Review status: criteria provided, single submitter. Criteria: ACMG Guidelines, 2015. Collection method: clinical testing. Allele origin: germline.

Ambry Genetics
Classification: Uncertain significance for Familial thoracic aortic aneurysm and aortic dissection. Last evaluated: 2023-03-20. Review status: criteria provided, single submitter. Criteria: Ambry Variant Classification Scheme 2023. Collection method: clinical testing. Allele origin: germline.
Comment: The p.V204M variant (also known as c.610G>A), located in coding exon 5 of the CBS gene, results from a G to A substitution at nucleotide position 610. The valine at codon 204 is replaced by methionine, an amino acid with highly similar properties. This amino acid position is conserved. In addition, this alteration is predicted to be deleterious by in silico analysis. Since supporting evidence is limited at this time, the clinical significance of this alteration remains unclear.

Labcorp Genetics (formerly Invitae), Labcorp
Classification: Uncertain significance for HYPERHOMOCYSTEINEMIA, THROMBOTIC, CBS-RELATED. Last evaluated: 2022-07-30. Review status: criteria provided, single submitter. Criteria: Invitae Variant Classification Sherloc (09022015). Collection method: clinical testing. Allele origin: germline.
Comment: This sequence change replaces valine, which is neutral and non-polar, with methionine, which is neutral and non-polar, at codon 204 of the CBS protein (p.Val204Met). This variant is present in population databases (rs372679328, gnomAD 0.03%). This variant has not been reported in the literature in individuals affected with CBS-related conditions. ClinVar contains an entry for this variant (Variation ID: 212848). Algorithms developed to predict the effect of missense changes on protein structure and function are either unavailable or do not agree on the potential impact of this missense change (SIFT: "Deleterious"; PolyPhen-2: "Benign"; Align-GVGD: "Class C0"). In summary, the available evidence is currently insufficient to determine the role of this variant in disease. Therefore, it has been classified as a Variant of Uncertain Significance.

Fulgent Genetics
Classification: Uncertain significance for Classic homocystinuria. Last evaluated: 2021-12-26. Review status: criteria provided, single submitter. Criteria: ACMG Guidelines, 2015. Collection method: clinical testing. Allele origin: unknown.

Natera, Inc.
Classification: Uncertain significance for Homocystinuria due to cystathionine beta-synthase deficiency. Last evaluated: 2020-09-16. Review status: no assertion criteria provided. Collection method: clinical testing. Allele origin: germline. Not counted in ClinVar's aggregate classification.

NM_000071.3(CBS):c.610G>A (p.Val204Met)

Gene: CBS (cystathionine beta-synthase; minus strand). Cytogenetic location: 21q22.3.
Variant type: single nucleotide variant.
Coding change: c.610G>A on transcript NM_000071.3 (MANE Select); coding-DNA position 610, G replaced by A.
Protein change: p.Val204Met; replaces valine 204 with methionine.
Molecular consequence: missense variant.
Genome position (GRCh38, 1-based): chr21:43,065,443, C>T on the plus strand (G>A on the coding strand, the complement: CBS is on the minus strand). VCF-style: chr21-43065443-C-T. GRCh37 (hg19) VCF-style: chr21-44485553-C-T.
Other names: p.V204M:GTG>ATG; c.610G>A, p.Val204Met (NM_001178008.3, NM_001178009.3, NM_001320298.2); c.295G>A, p.Val99Met (NM_001321072.1); short protein forms V204M, V99M.
Identifiers: ClinVar variation 212848 (VCV000212848.9), dbSNP rs372679328, ClinGen allele CA322403.
Genomic context (GRCh38, chr21:43,065,443, plus strand): 5'-TCACCTGGTCTAGGATGTGAGAATTGGGGATTTCGTTCTTCAGCCGCCAGGCCACCCCCA[C>T]GTGTGACTCCGGGGAGTCGAACCTGGCATTGGTGGGCGTCCTCACAATCTCAGCCCCCAG-3'
Protein context (NP_000062.1, residues 194-214): NARFDSPESH[Val204Met]GVAWRLKNEI